The following is an entry in ClinVar:

ClinVar aggregate classification (germline): Conflicting classifications of pathogenicity. Review status: criteria provided, conflicting classifications (1 of 4 stars). 2 submissions from 2 submitters: Uncertain significance (1); Likely benign (1). Last evaluated 2026-01-12.

Conditions:
Inborn genetic diseases. Identifiers: MedGen C0950123, MeSH D030342.

Allele frequency attached by ClinVar (database versions not stated): gnomAD exomes 0.00003; ExAC 0.00015; TOPMed 0.00015; 1000 Genomes Project 30x 0.00016; ESP Exome Variant Server 0.00016; gnomAD 0.00017; 1000 Genomes Project 0.00020.
gnomAD v4.1: 67 of 1,598,156 alleles (0.0042%); highest among the groups gnomAD compares: African/African-American, 0.04%; 1 homozygote.

Submissions (2):

Women's Health and Genetics/Laboratory Corporation of America, LabCorp
Classification: Uncertain significance. Last evaluated: 2026-01-12. Review status: criteria provided, single submitter. Criteria: LabCorp Variant Classification Summary - May 2015. Collection method: clinical testing. Allele origin: germline.
Comment: Variant summary: COL4A2 c.3412G>A (p.Val1138Met) results in a conservative amino acid change in the encoded protein sequence. Algorithms developed to predict the effect of missense changes on protein structure and function all suggest that this variant is likely to be tolerated. The variant allele was found at a frequency of 4.1e-05 in 220076 control chromosomes. The available data on variant occurrences in the general population are insufficient to allow any conclusion about variant significance. To our knowledge, no occurrence of c.3412G>A in individuals affected with COL4A2-related conditions and no experimental evidence demonstrating its impact on protein function have been reported. ClinVar contains an entry for this variant (Variation ID: 2526896). Based on the evidence outlined above, the variant was classified as uncertain significance.

Ambry Genetics
Classification: Likely benign for Inborn genetic diseases. Last evaluated: 2023-03-20. Review status: criteria provided, single submitter. Criteria: Ambry Variant Classification Scheme 2023. Collection method: clinical testing. Allele origin: germline.

NM_001846.4(COL4A2):c.3412G>A (p.Val1138Met)

Gene: COL4A2 (collagen type IV alpha 2 chain; plus strand). Cytogenetic location: 13q34.
Variant type: single nucleotide variant.
Coding change: c.3412G>A on transcript NM_001846.4 (MANE Select); coding-DNA position 3412, G replaced by A.
Protein change: p.Val1138Met; replaces valine 1138 with methionine.
Molecular consequence: missense variant.
Genome position (GRCh38, 1-based): chr13:110,491,298, G>A. VCF-style: chr13-110491298-G-A. GRCh37 (hg19) VCF-style: chr13-111143645-G-A.
Other names: short protein forms V1138M.
Identifiers: ClinVar variation 2526896 (VCV002526896.3), dbSNP rs367797470, ClinGen allele CA7050208.